The following is an entry in ClinVar:

NM_022124.6(CDH23):c.128G>A (p.Ser43Asn)

Gene: CDH23 (cadherin related 23; plus strand). Cytogenetic location: 10q22.1.
Variant type: single nucleotide variant.
Coding change: c.128G>A on transcript NM_022124.6 (MANE Select); coding-DNA position 128, G replaced by A.
Protein change: p.Ser43Asn; replaces serine 43 with asparagine.
Molecular consequence: missense variant.
Genome position (GRCh38, 1-based): chr10:71,446,378, G>A. VCF-style: chr10-71446378-G-A. GRCh37 (hg19) VCF-style: chr10-73206135-G-A.
Other names: c.128G>A, p.Ser43Asn (NM_001171930.2, NM_001171931.2, NM_001171932.2 and 1 more transcripts); short protein forms S43N.
Identifiers: ClinVar variation 5002923 (VCV005002923.1).
Genomic context (GRCh38, chr10:71,446,378, plus strand): 5'-GCCAGGTGAACCGGCTGCCCTTCTTCACCAACCACTTCTTTGATACATACCTGCTGATCA[G>A]CGAGGACACGCCTGTGGGTGAGTGGGGGCATGGGCTGGTGGGCGTGCAGATGGCCTGGGG-3'
Protein context (NP_071407.4, residues 33-53): NHFFDTYLLI[Ser43Asn]EDTPVGSSVT

ClinVar aggregate classification (germline): Uncertain significance (1 of 4 stars; one submission).

Conditions:
Autosomal recessive nonsyndromic hearing loss 12. Also called: DEAFNESS, AUTOSOMAL RECESSIVE 12. Identifiers: Orphanet 90636, MedGen C1832394, MONDO:0011067, OMIM 601386.

Submission:

OLLIN Analises Genomicas, OLLIN
Classification: Uncertain significance for Autosomal recessive nonsyndromic hearing loss 12. Last evaluated: 2026-08-06. Review status: criteria provided, single submitter. Criteria: ACMG Guidelines 2015 PMID 25741868. Collection method: clinical testing. Allele origin: germline. Inheritance: Autosomal recessive inheritance.
Comment: This missense variant, located in exon 3 (of 70), has been observed in gnomAD with an allele frequency of 0.000062%, but has not been reported in ClinVar or identified in the literature. In silico analysis predicts that this variant has a tolerated effect. According to the currently available evidence, this variant has been classified as uncertain significance (PM2_P, BP4_M).